The following is an entry in ClinVar:

NM_000297.4(PKD2):c.2440G>T (p.Glu814Ter)

Gene: PKD2 (polycystin 2, transient receptor potential cation channel; plus strand). Cytogenetic location: 4q22.1.
Variant type: single nucleotide variant.
Coding change: c.2440G>T on transcript NM_000297.4 (MANE Select); coding-DNA position 2440, G replaced by T.
Protein change: p.Glu814Ter; replaces glutamic acid 814 with a stop codon.
Molecular consequence: nonsense. On other transcripts: non-coding transcript variant (1).
Genome position (GRCh38, 1-based): chr4:88,067,979, G>T. VCF-style: chr4-88067979-G-T. GRCh37 (hg19) VCF-style: chr4-88989131-G-T.
Other names: short protein forms E814*.
Identifiers: ClinVar variation 805201 (VCV000805201.1), dbSNP rs1578148821, ClinGen allele CA357626830.

ClinVar aggregate classification (germline): Pathogenic (1 of 4 stars; one submission).

Submission:

Athena Diagnostics
Classification: Pathogenic. Last evaluated: 2019-02-14. Review status: criteria provided, single submitter. Criteria: Athena Diagnostics Criteria. Collection method: clinical testing. Allele origin: germline.
Comment: The variant creates a premature nonsense codon, and is therefore predicted to result in the loss of a functional protein. Found in at least one symptomatic patient, and not found in general population data.

Literature cited by the submitters: PubMed 11967008; PubMed 25525159.